The following is an entry in ClinVar:

ClinVar aggregate classification (germline): Likely benign (1 of 4 stars; one submission).

Allele frequency attached by ClinVar (database versions not stated): gnomAD 0.00314 and 0.00342; TOPMed 0.00349; 1000 Genomes Project 0.00280; 1000 Genomes Project 30x 0.00281.
gnomAD v4.1: 474 of 152,282 alleles (0.31%); highest among the groups gnomAD compares: African/African-American, 1.1%; 1 homozygote.

Submission:

GeneDx
Classification: Likely benign. Last evaluated: 2018-06-16. Review status: criteria provided, single submitter. Criteria: GeneDx Variant Classification (06012015). Collection method: clinical testing. Allele origin: germline. Affected: yes.
Comment: This variant is considered likely benign or benign based on one or more of the following criteria: it is a conservative change, it occurs at a poorly conserved position in the protein, it is predicted to be benign by multiple in silico algorithms, and/or has population frequency not consistent with disease.

NM_001271.4(CHD2):c.2578-279A>G

Gene: CHD2 (chromodomain helicase DNA binding protein 2; plus strand). Cytogenetic location: 15q26.1.
Variant type: single nucleotide variant.
Coding change: c.2578-279A>G on transcript NM_001271.4 (MANE Select); 279 bases into the intron before coding-DNA position 2578, A replaced by G.
Molecular consequence: intron variant.
Genome position (GRCh38, 1-based): chr15:92,977,955, A>G. VCF-style: chr15-92977955-A-G. GRCh37 (hg19) VCF-style: chr15-93521185-A-G.
Identifiers: ClinVar variation 673737 (VCV000673737.1), dbSNP rs55687170, ClinGen allele CA274852753.